The following is an entry in ClinVar:

NM_001267550.2(TTN):c.102118A>T (p.Lys34040Ter)

Genes: TTN-AS1 (TTN antisense RNA 1; plus strand), TTN (titin; minus strand). Cytogenetic location: 2q31.2.
Variant type: single nucleotide variant.
Coding change: c.102118A>T on transcript NM_001267550.2 (MANE Select); coding-DNA position 102118, A replaced by T.
Protein change: p.Lys34040Ter; replaces lysine 34040 with a stop codon.
Molecular consequence: nonsense.
Genome position (GRCh38, 1-based): chr2:178,534,497, T>A on the plus strand (A>T on the coding strand, the complement: TTN is on the minus strand). VCF-style: chr2-178534497-T-A. GRCh37 (hg19) VCF-style: chr2-179399224-T-A.
Other names: c.97195A>T, p.Lys32399Ter (NM_001256850.1); c.74923A>T, p.Lys24975Ter (NM_003319.4); c.94414A>T, p.Lys31472Ter (NM_133378.4); c.75298A>T, p.Lys25100Ter (NM_133432.3); c.75499A>T, p.Lys25167Ter (NM_133437.4); short protein forms K32399*, K34040*, K25167*, K31472*, K24975*, K25100*.
Identifiers: ClinVar variation 4782376 (VCV004782376.1).

ClinVar aggregate classification (germline): Likely pathogenic (1 of 4 stars; one submission).

Conditions:
Dilated cardiomyopathy 1G (CMD1G). Identifiers: Orphanet 154, MedGen C1858763, MONDO:0011400, OMIM 604145.
Autosomal recessive limb-girdle muscular dystrophy type 2J (LGMDR10). Also called: Limb-girdle muscular dystrophy, type 2J; MUSCULAR DYSTROPHY, LIMB-GIRDLE, AUTOSOMAL RECESSIVE 10. Identifiers: Orphanet 140922, MedGen C1837342, MONDO:0012127, OMIM 608807.

Submission:

Labcorp Genetics (formerly Invitae), Labcorp
Classification: Likely pathogenic for Dilated cardiomyopathy 1G; Autosomal recessive limb-girdle muscular dystrophy type 2J. Last evaluated: 2025-09-23. Review status: criteria provided, single submitter. Criteria: Invitae Variant Classification Sherloc (09022015). Collection method: clinical testing. Allele origin: germline.
Comment: This sequence change creates a premature translational stop signal (p.Lys34040*) in the TTN gene. While this is not anticipated to result in nonsense mediated decay, it is expected to create a truncated TTN protein. This variant is not present in population databases (gnomAD no frequency). This variant has not been reported in the literature in individuals affected with TTN-related conditions. This variant is located in the M band of TTN (PMID: 25589632). Truncating variants in this region have been previously reported in individuals affected with autosomal dominant or autosomal recessive myopathy and muscular dystrophy (PMID: 18948003, 23975875, 24395473). Truncating variants in this region have also been identified in individuals affected with autosomal dominant dilated cardiomyopathy and/or cardio-related conditions (PMID: 27869827, 32964742, internal data). In summary, the currently available evidence indicates that the variant is pathogenic, but additional data are needed to prove that conclusively. Therefore, this variant has been classified as Likely Pathogenic.

Literature cited by the submitters: PubMed 25589632; PubMed 18948003; PubMed 23975875; PubMed 24395473; PubMed 27869827; PubMed 32964742.